The following is an entry in ClinVar:

ClinVar aggregate classification (germline): Uncertain significance (1 of 4 stars; one submission).

Submission:

GeneDx
Classification: Uncertain significance. Last evaluated: 2023-11-11. Review status: criteria provided, single submitter. Criteria: GeneDx Variant Classification Process June 2021. Collection method: clinical testing. Allele origin: germline. Affected: yes.
Comment: Not observed at significant frequency in large population cohorts (gnomAD); In silico analysis supports that this missense variant has a deleterious effect on protein structure/function; Has not been previously published as pathogenic or benign to our knowledge

NM_004958.4(MTOR):c.212T>G (p.Ile71Ser)

Gene: MTOR (mechanistic target of rapamycin kinase; minus strand). Cytogenetic location: 1p36.22.
Variant type: single nucleotide variant.
Coding change: c.212T>G on transcript NM_004958.4 (MANE Select); coding-DNA position 212, T replaced by G.
Protein change: p.Ile71Ser; replaces isoleucine 71 with serine.
Molecular consequence: missense variant. On other transcripts: 5 prime UTR variant (1).
Genome position (GRCh38, 1-based): chr1:11,258,544, A>C on the plus strand (T>G on the coding strand, the complement: MTOR is on the minus strand). VCF-style: chr1-11258544-A-C. GRCh37 (hg19) VCF-style: chr1-11318601-A-C.
Other names: c.212T>G, p.Ile71Ser (NM_001386500.1); c.-928T>G (NM_001386501.1); short protein forms I71S.
Identifiers: ClinVar variation 3364080 (VCV003364080.1).